The following is an entry in ClinVar:

NM_177402.5(SYT2):c.802-3C>G

Gene: SYT2 (synaptotagmin 2; minus strand). Cytogenetic location: 1q32.1.
Variant type: single nucleotide variant.
Coding change: c.802-3C>G on transcript NM_177402.5 (MANE Select); 3 bases into the intron before coding-DNA position 802, C replaced by G.
Molecular consequence: intron variant.
Genome position (GRCh38, 1-based): chr1:202,600,477, G>C on the plus strand (C>G on the coding strand, the complement: SYT2 is on the minus strand). VCF-style: chr1-202600477-G-C. GRCh37 (hg19) VCF-style: chr1-202569605-G-C.
Other names: c.802-3C>G (NM_001136504.1).
Identifiers: ClinVar variation 489103 (VCV000489103.2), dbSNP rs759167957, ClinGen allele CA1333681.
Genomic context (GRCh38, chr1:202,600,477, plus strand): 5'-GCTTCCCGGCCGTGGGCACATAGCGCAGGGAGGTGCAGATGTCGCCCAGCTTCTCCGGCT[G>C]TCCAGGGGAAGAGCAGGACTTGGGTCATCTCACCCATCCTAGTGCCTCTCTCATGGCTGA-3'

ClinVar aggregate classification (germline): Uncertain significance (1 of 4 stars; one submission).

Allele frequency attached by ClinVar (database versions not stated): gnomAD exomes below 0.00001; ExAC 0.00001.
gnomAD v4.1: 2 of 1,613,924 alleles (0.00012%); highest among the groups gnomAD compares: Non-Finnish European, 0.00017%; no homozygotes.

Submission:

GeneDx
Classification: Uncertain significance. Last evaluated: 2017-11-14. Review status: criteria provided, single submitter. Criteria: GeneDx Variant Classification (06012015). Collection method: clinical testing. Allele origin: germline. Affected: yes.
Comment: The c.802-3C>G variant in the SYT2 gene has not been reported previously as a pathogenic variant nor as a benign variant, to our knowledge. This splice site variant destroys the canonical splice acceptor site in intron 6. It is predicted to cause abnormal gene splicing, either leading to an abnormal message that is subject to nonsense-mediated mRNA decay, or to an abnormal protein product if the message is used for protein translation. The c.802-3C>G variant is observed in 1/111226 alleles from individuals of non-Finnish European background and 1/245680 total alleles in large population cohorts (Lek et al., 2016). We interpret c.802-3C>G as a variant of uncertain significance.